The following is an entry in ClinVar:

NM_001032283.3(TMPO):c.565+1689T>C

Gene: TMPO (thymopoietin; plus strand). Cytogenetic location: 12q23.1.
Variant type: single nucleotide variant.
Coding change: c.565+1689T>C on transcript NM_001032283.3 (MANE Select); 1689 bases into the intron after coding-DNA position 565, T replaced by C.
Molecular consequence: intron variant. On other transcripts: missense variant (1).
Genome position (GRCh38, 1-based): chr12:98,533,527, T>C. VCF-style: chr12-98533527-T-C. GRCh37 (hg19) VCF-style: chr12-98927305-T-C.
Other names: c.1270T>C, p.Ser424Pro (NM_003276.2); c.565+1689T>C (NM_001307975.2, NM_001032284.3); short protein forms S424P.
Identifiers: ClinVar variation 3458749 (VCV003458749.1).

ClinVar aggregate classification (germline): Uncertain significance (1 of 4 stars; one submission).

gnomAD v4.1: 1 of 1,614,122 alleles (0.000062%); highest among the groups gnomAD compares: Non-Finnish European, 0.000085%; no homozygotes.

Submission:

Ambry Genetics
Classification: Uncertain significance. Last evaluated: 2024-07-11. Review status: criteria provided, single submitter. Criteria: Ambry Variant Classification Scheme 2023. Collection method: clinical testing. Allele origin: germline.
Comment: The p.S424P variant (also known as c.1270T>C), located in coding exon 4 of the TMPO gene, results from a T to C substitution at nucleotide position 1270. The serine at codon 424 is replaced by proline, an amino acid with similar properties. This amino acid position is conserved. In addition, this alteration is predicted to be tolerated by in silico analysis. Based on the available evidence, the clinical significance of this variant remains unclear.